The following is an entry in ClinVar:

ClinVar aggregate classification (germline): Uncertain significance. Review status: criteria provided, multiple submitters, no conflicts (2 of 4 stars). 3 submissions from 3 submitters: Uncertain significance (3). Last evaluated 2026-05-21.

Conditions:
TTC21B-related disorder. Also called: TTC21B-related condition; TTC21B-related disorders.
Nephronophthisis 12 (NPHP12). Identifiers: Orphanet 655, MedGen C3151186, MONDO:0013442, OMIM 613820.
Asphyxiating thoracic dystrophy 4 (SRTD4). Also called: SHORT-RIB THORACIC DYSPLASIA 4 WITH OR WITHOUT POLYDACTYLY; SHORT-RIB THORACIC DYSPLASIA 4. Identifiers: Orphanet 474, MedGen C3151185, MONDO:0013441, OMIM 613819.
Jeune thoracic dystrophy. Also called: Short-rib thoracic dysplasia; Jeune syndrome; Infantile thoracic dystrophy; Thoracic pelvic phalangeal dystrophy; Jeune's syndrome; Chondroectodermal dysplasia-like syndrome. Identifiers: Orphanet 474, MedGen C0265275, MONDO:0018770.
Nephronophthisis. Also called: Juvenile Nephronophthisis. Identifiers: Orphanet 655, MedGen C0687120, MONDO:0019005, HP:0000090.

Allele frequency attached by ClinVar (database versions not stated): ExAC 0.00001; gnomAD 0.00001; gnomAD exomes 0.00001; TOPMed 0.00001; ESP Exome Variant Server 0.00008.
gnomAD v4.1: 19 of 1,612,442 alleles (0.0012%); highest among the groups gnomAD compares: Non-Finnish European, 0.0015%; no homozygotes.

Submissions (3):

PreventionGenetics, part of Exact Sciences
Classification: Uncertain significance for TTC21B-related condition. Last evaluated: 2026-05-21. Review status: criteria provided, single submitter. Criteria: ACMG Guidelines, 2015. Collection method: clinical testing. Allele origin: germline.
Comment: The TTC21B c.65T>C variant is predicted to result in the amino acid substitution p.Val22Ala. To our knowledge, this variant has not been reported in the literature. This variant is reported in 0.0018% of alleles in individuals of European (Non-Finnish) descent in gnomAD. At this time, the clinical significance of this variant is uncertain due to the absence of conclusive functional and genetic evidence.

Fulgent Genetics
Classification: Uncertain significance for Asphyxiating thoracic dystrophy 4; Nephronophthisis 12. Last evaluated: 2024-04-30. Review status: criteria provided, single submitter. Criteria: ACMG Guidelines, 2015. Collection method: clinical testing. Allele origin: germline.

Labcorp Genetics (formerly Invitae), Labcorp
Classification: Uncertain significance for Jeune thoracic dystrophy; Nephronophthisis. Last evaluated: 2022-10-05. Review status: criteria provided, single submitter. Criteria: Invitae Variant Classification Sherloc (09022015). Collection method: clinical testing. Allele origin: germline.
Comment: This sequence change replaces valine, which is neutral and non-polar, with alanine, which is neutral and non-polar, at codon 22 of the TTC21B protein (p.Val22Ala). This variant is present in population databases (rs147692756, gnomAD 0.0009%). This variant has not been reported in the literature in individuals affected with TTC21B-related conditions. Advanced modeling of protein sequence and biophysical properties (such as structural, functional, and spatial information, amino acid conservation, physicochemical variation, residue mobility, and thermodynamic stability) performed at Invitae indicates that this missense variant is not expected to disrupt TTC21B protein function. In summary, the available evidence is currently insufficient to determine the role of this variant in disease. Therefore, it has been classified as a Variant of Uncertain Significance.

NM_024753.5(TTC21B):c.65T>C (p.Val22Ala)

Gene: TTC21B (tetratricopeptide repeat domain 21B; minus strand). Cytogenetic location: 2q24.3.
Variant type: single nucleotide variant.
Coding change: c.65T>C on transcript NM_024753.5 (MANE Select); coding-DNA position 65, T replaced by C.
Protein change: p.Val22Ala; replaces valine 22 with alanine.
Molecular consequence: missense variant.
Genome position (GRCh38, 1-based): chr2:165,949,681, A>G on the plus strand (T>C on the coding strand, the complement: TTC21B is on the minus strand). VCF-style: chr2-165949681-A-G. GRCh37 (hg19) VCF-style: chr2-166806191-A-G.
Other names: c.65T>C (NM_024753.4); short protein forms V22A.
Identifiers: ClinVar variation 2146725 (VCV002146725.3), dbSNP rs147692756, ClinGen allele CA1942563.